The following is an entry in ClinVar:

NM_001365999.1(SZT2):c.7724G>T (p.Arg2575Leu)

Gene: SZT2 (SZT2 subunit of KICSTOR complex; plus strand). Cytogenetic location: 1p34.2.
Variant type: single nucleotide variant.
Coding change: c.7724G>T on transcript NM_001365999.1 (MANE Select); coding-DNA position 7724, G replaced by T.
Protein change: p.Arg2575Leu; replaces arginine 2575 with leucine.
Molecular consequence: missense variant.
Genome position (GRCh38, 1-based): chr1:43,441,800, G>T. VCF-style: chr1-43441800-G-T. GRCh37 (hg19) VCF-style: chr1-43907471-G-T.
Other names: c.7553G>T, p.Arg2518Leu (NM_015284.4); short protein forms R2518L, R2575L.
Identifiers: ClinVar variation 963896 (VCV000963896.9), dbSNP rs147818016, ClinGen allele CA810301.

ClinVar aggregate classification (germline): Uncertain significance. Review status: criteria provided, multiple submitters, no conflicts (2 of 4 stars). 3 submissions from 3 submitters: Uncertain significance (3). Last evaluated 2023-04-11.

Conditions:
Developmental and epileptic encephalopathy, 18 (DEE18). Also called: Early infantile epileptic encephalopathy 18. Identifiers: Orphanet 369894, MedGen C3809624, MONDO:0014201, OMIM 615476.
Inborn genetic diseases. Identifiers: MedGen C0950123, MeSH D030342.

Allele frequency attached by ClinVar (database versions not stated): TOPMed 0.00002; ESP Exome Variant Server 0.00015.
gnomAD v4.1: 6 of 1,614,010 alleles (0.00037%); highest among the groups gnomAD compares: Non-Finnish European, 0.00051%; no homozygotes.

Submissions (3):

Genome-Nilou Lab
Classification: Uncertain significance for Developmental and epileptic encephalopathy, 18. Last evaluated: 2023-04-11. Review status: criteria provided, single submitter. Criteria: ACMG Guidelines, 2015. Collection method: clinical testing. Allele origin: germline. Affected: no.

Labcorp Genetics (formerly Invitae), Labcorp
Classification: Uncertain significance. Last evaluated: 2021-09-01. Review status: criteria provided, single submitter. Criteria: Invitae Variant Classification Sherloc (09022015). Collection method: clinical testing. Allele origin: germline.
Comment: This sequence change replaces arginine with leucine at codon 2518 of the SZT2 protein (p.Arg2518Leu). The arginine residue is highly conserved and there is a moderate physicochemical difference between arginine and leucine. This variant is present in population databases (rs147818016, ExAC 0.003%). This variant has not been reported in the literature in individuals affected with SZT2-related conditions. Algorithms developed to predict the effect of missense changes on protein structure and function are either unavailable or do not agree on the potential impact of this missense change (SIFT: "Tolerated"; PolyPhen-2: "Possibly Damaging"; Align-GVGD: "Class C0"). In summary, the available evidence is currently insufficient to determine the role of this variant in disease. Therefore, it has been classified as a Variant of Uncertain Significance.

Ambry Genetics
Classification: Uncertain significance for Inborn genetic diseases. Last evaluated: 2018-08-03. Review status: criteria provided, single submitter. Criteria: Ambry Variant Classification Scheme 2023. Collection method: clinical testing. Allele origin: germline.
Comment: The p.R2518L variant (also known as c.7553G>T), located in coding exon 54 of the SZT2 gene, results from a G to T substitution at nucleotide position 7553. The arginine at codon 2518 is replaced by leucine, an amino acid with dissimilar properties. This amino acid position is not well conserved in available vertebrate species. In addition, the in silico prediction for this alteration is inconclusive. Since supporting evidence is limited at this time, the clinical significance of this alteration remains unclear.